The following is an entry in ClinVar:

NM_001854.4(COL11A1):c.1928G>T (p.Gly643Val)

Gene: COL11A1 (collagen type XI alpha 1 chain; minus strand). Cytogenetic location: 1p21.1.
Variant type: single nucleotide variant.
Coding change: c.1928G>T on transcript NM_001854.4 (MANE Select); coding-DNA position 1928, G replaced by T.
Protein change: p.Gly643Val; replaces glycine 643 with valine.
Molecular consequence: missense variant. On other transcripts: non-coding transcript variant (1).
Genome position (GRCh38, 1-based): chr1:103,004,460, C>A on the plus strand (G>T on the coding strand, the complement: COL11A1 is on the minus strand). VCF-style: chr1-103004460-C-A. GRCh37 (hg19) VCF-style: chr1-103470016-C-A.
Other names: c.1811G>T, p.Gly604Val (NM_001190709.2); c.1964G>T, p.Gly655Val (NM_080629.3); c.1580G>T, p.Gly527Val (NM_080630.4); short protein forms G527V, G604V, G655V, G643V.
Identifiers: ClinVar variation 1524227 (VCV001524227.8), dbSNP rs1427555518, ClinGen allele CA341172606.

ClinVar aggregate classification (germline): Uncertain significance (1 of 4 stars; one submission).

Allele frequency attached by ClinVar (database versions not stated): gnomAD exomes below 0.00001.
gnomAD v4.1: 1 of 1,611,716 alleles (0.000062%); highest among the groups gnomAD compares: African/African-American, 0.0013%; no homozygotes.

Submission:

Labcorp Genetics (formerly Invitae), Labcorp
Classification: Uncertain significance. Last evaluated: 2024-04-25. Review status: criteria provided, single submitter. Criteria: Invitae Variant Classification Sherloc (09022015). Collection method: clinical testing. Allele origin: germline.
Comment: This sequence change replaces glycine, which is neutral and non-polar, with valine, which is neutral and non-polar, at codon 643 of the COL11A1 protein (p.Gly643Val). This variant is not present in population databases (gnomAD no frequency). This variant has not been reported in the literature in individuals affected with COL11A1-related conditions. ClinVar contains an entry for this variant (Variation ID: 1524227). Advanced modeling of protein sequence and biophysical properties (such as structural, functional, and spatial information, amino acid conservation, physicochemical variation, residue mobility, and thermodynamic stability) has been performed at Invitae for this missense variant, however the output from this modeling did not meet the statistical confidence thresholds required to predict the impact of this variant on COL11A1 protein function. In summary, the available evidence is currently insufficient to determine the role of this variant in disease. Therefore, it has been classified as a Variant of Uncertain Significance.